The following is an entry in ClinVar:

ClinVar aggregate classification (germline): Pathogenic (1 of 4 stars; one submission).

Conditions:
Duchenne muscular dystrophy (DMD). Also called: MUSCULAR DYSTROPHY, PSEUDOHYPERTROPHIC PROGRESSIVE, DUCHENNE TYPE; Duchenne Muscular Dystrophy (DMD). Identifiers: Orphanet 98896, MedGen C0013264, MONDO:0010679, OMIM 310200.

Submission:

Labcorp Genetics (formerly Invitae), Labcorp
Classification: Pathogenic for Duchenne muscular dystrophy. Last evaluated: 2023-12-15. Review status: criteria provided, single submitter. Criteria: Invitae Variant Classification Sherloc (09022015). Collection method: clinical testing. Allele origin: unknown.
Comment: This variant is a gross deletion of the genomic region encompassing exon(s) 48-55 of the DMD gene. This variant would be expected to be in-frame, preserving the integrity of the reading frame. A similar copy number variant has been observed in individuals with dilated cardiomyopathy and Duchenne or Becker muscular dystrophy (PMID: 21851881, 24928015). The region of the DMD gene that includes exon(s) 48-53 has been determined to be clinically significant (PMID: 10841222, 17854090, 18663755, 19907931). Therefore, deletions that encompass that region are likely to be disease-causing. For these reasons, this variant has been classified as Pathogenic.

Literature cited by the submitters: PubMed 21851881; PubMed 24928015; PubMed 10841222; PubMed 17854090; PubMed 18663755; PubMed 19907931.

NC_000023.10:g.(?_31613687)_(31897527_?)del

Gene: DMD (dystrophin; minus strand). Cytogenetic location: Xp21.1.
Variant type: Deletion.
Identifiers: ClinVar variation 3248245 (VCV003248245.1).